The following is an entry in ClinVar:

ClinVar aggregate classification (germline): Uncertain significance. Review status: criteria provided, multiple submitters, no conflicts (2 of 4 stars). 3 submissions from 3 submitters: Uncertain significance (3). Last evaluated 2026-08-21.

Conditions:
Brugada syndrome 9 (BRGDA9). Identifiers: Orphanet 130, MedGen C4225340, MONDO:0014621, OMIM 616399.
Spinocerebellar ataxia type 19/22 (SCA19). Also called: SPINOCEREBELLAR ATAXIA 19; SPINOCEREBELLAR ATAXIA 22. Identifiers: Orphanet 98772, MedGen C1846367, MONDO:0011819, OMIM 607346.
Cardiovascular phenotype. Identifiers: MedGen CN230736.

Allele frequency attached by ClinVar (database versions not stated): gnomAD exomes below 0.00001; ExAC 0.00001; gnomAD 0.00001; TOPMed 0.00001.
gnomAD v4.1: 11 of 1,607,280 alleles (0.00068%); highest among the groups gnomAD compares: South Asian, 0.0045%; no homozygotes.

Submissions (3):

Ambry Genetics
Classification: Uncertain significance for Cardiovascular phenotype. Last evaluated: 2026-08-21. Review status: criteria provided, single submitter. Criteria: Ambry Variant Classification Scheme 2023. Collection method: clinical testing. Allele origin: germline.
Comment: The c.1371G>A variant (also known as p.T457T), located in coding exon 3 of the KCND3 gene, results from a G to A substitution at nucleotide position 1371. This nucleotide substitution does not change the threonine at codon 457. However, this change occurs in the last base pair of coding exon 3, which makes it likely to have some effect on normal mRNA splicing. This nucleotide position is well conserved in available vertebrate species. In silico splice site analysis predicts that this alteration may weaken the native splice donor site. Based on the available evidence, the clinical significance of this variant remains unclear.

Fulgent Genetics
Classification: Uncertain significance for Spinocerebellar ataxia type 19/22; Brugada syndrome 9. Last evaluated: 2021-07-12. Review status: criteria provided, single submitter. Criteria: ACMG Guidelines, 2015. Collection method: clinical testing. Allele origin: unknown.

Knight Diagnostic Laboratories, Oregon Health and Sciences University
Classification: Uncertain significance. Last evaluated: 2019-09-06. Review status: criteria provided, single submitter. Criteria: ACMG Guidelines, 2015. Collection method: clinical testing. Allele origin: germline. Observed: 1 variant allele.

NM_001378969.1(KCND3):c.1371G>A (p.Thr457=)

Gene: KCND3 (potassium voltage-gated channel subfamily D member 3; minus strand). Cytogenetic location: 1p13.2.
Variant type: single nucleotide variant.
Coding change: c.1371G>A on transcript NM_001378969.1 (MANE Select); coding-DNA position 1371, G replaced by A.
Protein change: p.Thr457=; no amino-acid change (threonine 457 retained).
Molecular consequence: synonymous variant.
Genome position (GRCh38, 1-based): chr1:111,780,690, C>T on the plus strand (G>A on the coding strand, the complement: KCND3 is on the minus strand). VCF-style: chr1-111780690-C-T. GRCh37 (hg19) VCF-style: chr1-112323312-C-T.
Other names: c.1371G>A, p.Thr457= (NM_001378970.1, NM_004980.5, NM_172198.3).
Identifiers: ClinVar variation 519471 (VCV000519471.9), dbSNP rs773858454, ClinGen allele CA1007456.